The following is an entry in ClinVar:

NM_000098.3(CPT2):c.1737C>A (p.Tyr579Ter)

Gene: CPT2 (carnitine palmitoyltransferase 2; plus strand). Cytogenetic location: 1p32.3.
Variant type: single nucleotide variant.
Coding change: c.1737C>A on transcript NM_000098.3 (MANE Select); coding-DNA position 1737, C replaced by A.
Protein change: p.Tyr579Ter; replaces tyrosine 579 with a stop codon.
Molecular consequence: nonsense.
Genome position (GRCh38, 1-based): chr1:53,213,355, C>A. VCF-style: chr1-53213355-C-A. GRCh37 (hg19) VCF-style: chr1-53679027-C-A.
Other names: c.1668C>A, p.Tyr556Ter (NM_001330589.2); short protein forms Y556*, Y579*.
Identifiers: ClinVar variation 2821453 (VCV002821453.3), dbSNP rs957344521, ClinGen allele CA340397548.

ClinVar aggregate classification (germline): Pathogenic (1 of 4 stars; one submission).

Conditions:
Carnitine palmitoyltransferase II deficiency. Also called: Carnitine Palmitoyltransferase 2 Deficiency. Identifiers: Orphanet 157, MedGen C0342790, MONDO:0015515.

Submission:

Labcorp Genetics (formerly Invitae), Labcorp
Classification: Pathogenic for Carnitine palmitoyltransferase II deficiency. Last evaluated: 2022-12-16. Review status: criteria provided, single submitter. Criteria: Invitae Variant Classification Sherloc (09022015). Collection method: clinical testing. Allele origin: germline.
Comment: For these reasons, this variant has been classified as Pathogenic. This variant disrupts a region of the CPT2 protein in which other variant(s) (p.Glu645Argfs*5) have been determined to be pathogenic (PMID: 17936304, 21913903). This suggests that this is a clinically significant region of the protein, and that variants that disrupt it are likely to be disease-causing. This premature translational stop signal has been observed in individual(s) with CPT2 deficiency (PMID: 18577113). This variant is not present in population databases (gnomAD no frequency). This sequence change creates a premature translational stop signal (p.Tyr579*) in the CPT2 gene. While this is not anticipated to result in nonsense mediated decay, it is expected to disrupt the last 80 amino acid(s) of the CPT2 protein.

Literature cited by the submitters: PubMed 17936304; PubMed 21913903; PubMed 18577113.